The following is an entry in ClinVar:

NM_022167.4(XYLT2):c.949G>A (p.Val317Met)

Gene: XYLT2 (xylosyltransferase 2; plus strand). Cytogenetic location: 17q21.33.
Variant type: single nucleotide variant.
Coding change: c.949G>A on transcript NM_022167.4 (MANE Select); coding-DNA position 949, G replaced by A.
Protein change: p.Val317Met; replaces valine 317 with methionine.
Molecular consequence: missense variant.
Genome position (GRCh38, 1-based): chr17:50,354,998, G>A. VCF-style: chr17-50354998-G-A. GRCh37 (hg19) VCF-style: chr17-48432359-G-A.
Other names: short protein forms V317M.
Identifiers: ClinVar variation 2052869 (VCV002052869.4), dbSNP rs1912457606, ClinGen allele CA400202444.

ClinVar aggregate classification (germline): Uncertain significance (1 of 4 stars; one submission).

Allele frequency attached by ClinVar (database versions not stated): TOPMed below 0.00001.
gnomAD v4.1: 1 of 1,549,246 alleles (0.000065%); highest among the groups gnomAD compares: Non-Finnish European, 0.000087%; no homozygotes.

Submission:

Labcorp Genetics (formerly Invitae), Labcorp
Classification: Uncertain significance. Last evaluated: 2024-11-05. Review status: criteria provided, single submitter. Criteria: Invitae Variant Classification Sherloc (09022015). Collection method: clinical testing. Allele origin: germline.
Comment: This sequence change replaces valine, which is neutral and non-polar, with methionine, which is neutral and non-polar, at codon 317 of the XYLT2 protein (p.Val317Met). This variant is not present in population databases (gnomAD no frequency). This variant has not been reported in the literature in individuals affected with XYLT2-related conditions. ClinVar contains an entry for this variant (Variation ID: 2052869). Invitae Evidence Modeling of protein sequence and biophysical properties (such as structural, functional, and spatial information, amino acid conservation, physicochemical variation, residue mobility, and thermodynamic stability) indicates that this missense variant is not expected to disrupt XYLT2 protein function with a negative predictive value of 80%. In summary, the available evidence is currently insufficient to determine the role of this variant in disease. Therefore, it has been classified as a Variant of Uncertain Significance.